The following is an entry in ClinVar:

ClinVar aggregate classification (germline): Uncertain significance (1 of 4 stars; one submission).

Conditions:
Hereditary cancer-predisposing syndrome. Also called: Neoplastic Syndromes, Hereditary; Tumor predisposition; Hereditary Cancer Syndrome; Hereditary neoplastic syndrome. Identifiers: Orphanet 140162, MedGen C0027672, MeSH D009386, MONDO:0015356.

Submission:

Ambry Genetics
Classification: Uncertain significance for Hereditary cancer-predisposing syndrome. Last evaluated: 2025-07-15. Review status: criteria provided, single submitter. Criteria: Ambry Variant Classification Scheme 2023. Collection method: clinical testing. Allele origin: germline.
Comment: The p.P57A variant (also known as c.169C>G), located in coding exon 1 of the SMARCA4 gene, results from a C to G substitution at nucleotide position 169. The proline at codon 57 is replaced by alanine, an amino acid with highly similar properties. This amino acid position is not well conserved in available vertebrate species. In addition, this alteration is predicted to be tolerated by in silico analysis. Missense and in-frame variants in SMARCA4 are known to cause neurodevelopmental disorders; however, such associations with rhabdoid tumor predisposition syndrome including small cell carcinoma of the ovary-hypercalcemic type (SCCOHT) are exceedingly rare (Kosho T et al. Am J Med Genet C Semin Med Genet. 2014 Sep;166C(3):262-75; Jelinic P et al. Nat Genet. 2014 May;46(5):424-6). Based on the supporting evidence, the association of this alteration with Coffin-Siris syndrome is unknown; however, the association of this alteration with rhabdoid tumor predisposition syndrome is unlikely.

NM_003072.5(SMARCA4):c.169C>G (p.Pro57Ala)

Gene: SMARCA4 (SWI/SNF related BAF chromatin remodeling complex subunit ATPase 4; plus strand). Cytogenetic location: 19p13.2.
Variant type: single nucleotide variant.
Coding change: c.169C>G on transcript NM_003072.5 (MANE Select); coding-DNA position 169, C replaced by G.
Protein change: p.Pro57Ala; replaces proline 57 with alanine.
Molecular consequence: missense variant. On other transcripts: non-coding transcript variant (1).
Genome position (GRCh38, 1-based): chr19:10,984,320, C>G. VCF-style: chr19-10984320-C-G. GRCh37 (hg19) VCF-style: chr19-11094996-C-G.
Other names: c.169C>G, p.Pro57Ala (NM_001128844.3, NM_001128845.2, NM_001128846.2 and 6 more transcripts); short protein forms P57A.
Identifiers: ClinVar variation 1778307 (VCV001778307.3), dbSNP rs2145725406, ClinGen allele CA404054537.